The following is an entry in ClinVar:

ClinVar aggregate classification (germline): Uncertain significance (1 of 4 stars; one submission).

Submission:

GeneDx
Classification: Uncertain significance. Last evaluated: 2024-06-26. Review status: criteria provided, single submitter. Criteria: GeneDx Variant Classification Process June 2021. Collection method: clinical testing. Allele origin: germline. Affected: yes.
Comment: Not observed at significant frequency in large population cohorts (gnomAD); In silico analysis supports that this missense variant has a deleterious effect on protein structure/function; Has not been previously published as pathogenic or benign to our knowledge

NM_032217.5(ANKRD17):c.3977T>C (p.Ile1326Thr)

Gene: ANKRD17 (ankyrin repeat domain 17; minus strand). Cytogenetic location: 4q13.3.
Variant type: single nucleotide variant.
Coding change: c.3977T>C on transcript NM_032217.5 (MANE Select); coding-DNA position 3977, T replaced by C.
Protein change: p.Ile1326Thr; replaces isoleucine 1326 with threonine.
Molecular consequence: missense variant.
Genome position (GRCh38, 1-based): chr4:73,120,210, A>G on the plus strand (T>C on the coding strand, the complement: ANKRD17 is on the minus strand). VCF-style: chr4-73120210-A-G. GRCh37 (hg19) VCF-style: chr4-73985927-A-G.
Other names: c.3638T>C, p.Ile1213Thr (NM_001286771.3); c.3974T>C, p.Ile1325Thr (NM_015574.2); c.3224T>C, p.Ile1075Thr (NM_198889.3); short protein forms I1075T, I1213T, I1325T, I1326T.
Identifiers: ClinVar variation 3392674 (VCV003392674.1).